The following is an entry in ClinVar:

ClinVar aggregate classification (germline): Uncertain significance (1 of 4 stars; one submission).

Allele frequency attached by ClinVar (database versions not stated): ExAC 0.00016; TOPMed 0.00025; gnomAD 0.00028; gnomAD exomes 0.00030; ESP Exome Variant Server 0.00046.
gnomAD v4.1: 473 of 1,613,148 alleles (0.029%); highest among the groups gnomAD compares: Non-Finnish European, 0.038%; no homozygotes.

Submission:

Labcorp Genetics (formerly Invitae), Labcorp
Classification: Uncertain significance. Last evaluated: 2022-11-05. Review status: criteria provided, single submitter. Criteria: Invitae Variant Classification Sherloc (09022015). Collection method: clinical testing. Allele origin: germline.
Comment: In summary, the available evidence is currently insufficient to determine the role of this variant in disease. Therefore, it has been classified as a Variant of Uncertain Significance. Algorithms developed to predict the effect of missense changes on protein structure and function are either unavailable or do not agree on the potential impact of this missense change (SIFT: "Tolerated"; PolyPhen-2: "Possibly Damaging"; Align-GVGD: "Class C0"). This variant has not been reported in the literature in individuals affected with ADGRB2-related conditions. This variant is present in population databases (rs139751061, gnomAD 0.05%). This sequence change replaces proline, which is neutral and non-polar, with serine, which is neutral and polar, at codon 451 of the ADGRB2 protein (p.Pro451Ser).

NM_001364857.2(ADGRB2):c.1351C>T (p.Pro451Ser)

Gene: ADGRB2 (adhesion G protein-coupled receptor B2; minus strand). Cytogenetic location: 1p35.2.
Variant type: single nucleotide variant.
Coding change: c.1351C>T on transcript NM_001364857.2 (MANE Select); coding-DNA position 1351, C replaced by T.
Protein change: p.Pro451Ser; replaces proline 451 with serine.
Molecular consequence: missense variant.
Genome position (GRCh38, 1-based): chr1:31,742,119, G>A on the plus strand (C>T on the coding strand, the complement: ADGRB2 is on the minus strand). VCF-style: chr1-31742119-G-A. GRCh37 (hg19) VCF-style: chr1-32207720-G-A.
Other names: c.1351C>T, p.Pro451Ser (NM_001294335.2, NM_001294336.2, NM_001703.2); short protein forms P451S.
Identifiers: ClinVar variation 2180247 (VCV002180247.4), dbSNP rs139751061, ClinGen allele CA735974.